The following is an entry in ClinVar:

NM_001291867.2(NHS):c.4294T>C (p.Phe1432Leu)

Gene: NHS (NHS actin remodeling regulator; plus strand). Cytogenetic location: Xp22.13.
Variant type: single nucleotide variant.
Coding change: c.4294T>C on transcript NM_001291867.2 (MANE Select); coding-DNA position 4294, T replaced by C.
Protein change: p.Phe1432Leu; replaces phenylalanine 1432 with leucine.
Molecular consequence: missense variant.
Genome position (GRCh38, 1-based): chrX:17,728,720, T>C. VCF-style: chrX-17728720-T-C. GRCh37 (hg19) VCF-style: chrX-17746840-T-C.
Other names: c.3763T>C, p.Phe1255Leu (NM_001136024.4); c.3700T>C, p.Phe1234Leu (NM_001291868.2); c.4231T>C, p.Phe1411Leu (NM_198270.4); short protein forms F1234L, F1255L, F1411L, F1432L.
Identifiers: ClinVar variation 1048897 (VCV001048897.19), dbSNP rs181693134, ClinGen allele CA10358909.

ClinVar aggregate classification (germline): Likely benign. Review status: criteria provided, single submitter (1 of 4 stars). 2 submissions from 2 submitters: Likely benign (1). 1 of the submissions does not count toward it. Last evaluated 2024-06-01.

Allele frequency attached by ClinVar (database versions not stated): gnomAD exomes 0.00003; TOPMed 0.00005; ExAC 0.00006; gnomAD 0.00008 and 0.00009; 1000 Genomes Project 0.00053; 1000 Genomes Project 30x 0.00062.
gnomAD v4.1: 46 of 1,209,246 alleles (0.0038%); highest among the groups gnomAD compares: African/African-American, 0.033%; no homozygotes.

Submissions (2):

CeGaT Center for Human Genetics Tuebingen
Classification: Likely benign. Last evaluated: 2024-06-01. Review status: criteria provided, single submitter. Criteria: CeGaT Center For Human Genetics Tuebingen Variant Classification Criteria Version 2. Collection method: clinical testing. Allele origin: germline. Affected: yes. Observed: 1 variant allele.
Comment: NHS: BS2

Department of Pathology and Laboratory Medicine, Sinai Health System
Classification: Uncertain significance. Review status: no assertion criteria provided. Collection method: clinical testing. Allele origin: unknown. Affected: yes. Study: The Canadian Open Genetics Repository (COGR). Not counted in ClinVar's aggregate classification.
Comment: The NHS p.F1234L variant was not identified in the literature nor was it identified in ClinVar or LOVD 3.0. The variant was identified in dbSNP (ID: rs181693134) and in control databases in 7 of 205169 chromosomes (3 hemizogous) at a frequency of 0.00003 (Genome Aggregation Database March 6, 2019, v2.1.1). The variant was observed in the following populations: African in 6 of 18981 chromosomes (freq: 0.0003) and European (non-Finnish) in 1 of 92595 chromosomes (freq: 0.00001), but was not observed in the Latino, Ashkenazi Jewish, East Asian, European (Finnish), Other, or South Asian populations. The p.Phe1234 residue is conserved in mammals but not in more distantly related organisms however computational analyses (PolyPhen-2, SIFT, AlignGVGD, BLOSUM, MutationTaster) provide inconsistent predictions regarding the impact to the protein; this information is not very predictive of pathogenicity. The variant occurs outside of the splicing consensus sequence and in silico or computational prediction software programs (SpliceSiteFinder, MaxEntScan, NNSPLICE, GeneSplicer) do not predict a difference in splicing. In summary, based on the above information the clinical significance of this variant cannot be determined with certainty at this time. This variant is classified as a variant of uncertain significance.